The following is an entry in ClinVar:

NM_001365951.3(KIF1B):c.493A>T (p.Asn165Tyr)

Gene: KIF1B (kinesin family member 1B; plus strand). Cytogenetic location: 1p36.22.
Variant type: single nucleotide variant.
Coding change: c.493A>T on transcript NM_001365951.3 (MANE Select); coding-DNA position 493, A replaced by T.
Protein change: p.Asn165Tyr; replaces asparagine 165 with tyrosine.
Molecular consequence: missense variant.
Genome position (GRCh38, 1-based): chr1:10,267,443, A>T. VCF-style: chr1-10267443-A-T. GRCh37 (hg19) VCF-style: chr1-10327501-A-T.
Other names: c.493A>T, p.Asn165Tyr (NM_001365952.1, NM_001365953.1, NM_015074.3 and 1 more transcripts); short protein forms N165Y.
Identifiers: ClinVar variation 3226527 (VCV003226527.1), dbSNP rs2521041932, ClinGen allele CA338329263.

ClinVar aggregate classification (germline): Uncertain significance (1 of 4 stars; one submission).

Submission:

Ambry Genetics
Classification: Uncertain significance. Last evaluated: 2023-10-29. Review status: criteria provided, single submitter. Criteria: Ambry Variant Classification Scheme 2023. Collection method: clinical testing. Allele origin: germline.
Comment: The p.N165Y variant (also known as c.493A>T), located in coding exon 5 of the KIF1B gene, results from an A to T substitution at nucleotide position 493. The asparagine at codon 165 is replaced by tyrosine, an amino acid with dissimilar properties. This amino acid position is conserved. In addition, the in silico prediction for this alteration is inconclusive. Since supporting evidence is limited at this time, the clinical significance of this alteration remains unclear.